The following is an entry in ClinVar:

ClinVar aggregate classification (germline): Likely pathogenic (1 of 4 stars; one submission).

Conditions:
Hypophosphatasia. Also called: Phosphoethanol-aminuria. Identifiers: Orphanet 436, MedGen C0020630, MeSH D007014, MONDO:0018570.

Submission:

Myriad Genetics, Inc.
Classification: Likely pathogenic for Hypophosphatasia. Last evaluated: 2022-01-17. Review status: criteria provided, single submitter. Criteria: Myriad Autosomal Dominant, Autosomal Recessive and X-Linked Classification Criteria (2023). Collection method: clinical testing. Allele origin: unknown.
Comment: NM_000478.4(ALPL):c.799delC(H267Tfs*10) is expected to be pathogenic in the context of hypophosphatasia. This variant is predicted to lead to an abnormal or absent protein product due to the creation of a premature termination codon in ALPL, a gene where loss-of-function variants are known to be pathogenic. Please note: this variant was assessed in the context of healthy population screening.

NM_000478.6(ALPL):c.799del (p.His267fs)

Gene: ALPL (alkaline phosphatase, biomineralization associated; plus strand). Cytogenetic location: 1p36.12.
Variant type: Deletion.
Coding change: c.799del on transcript NM_000478.6 (MANE Select); coding-DNA position 799, one base deleted (C; older notation c.799delC).
Protein change: p.His267fs; shifts the reading frame from histidine 267.
Molecular consequence: frameshift variant.
Genome position (GRCh38, 1-based): chr1:21,570,311, C deleted; the last of 3 consecutive C bases (chr1:21,570,309-21,570,311); deleting any one gives the same sequence. VCF-style (leftmost placement, unchanged base first): chr1-21570308-TC-T. GRCh37 (hg19) VCF-style: chr1-21896801-TC-T.
Other names: c.634del, p.His212fs (NM_001127501.4); c.568del, p.His190fs (NM_001177520.3); c.799del, p.His267fs (NM_001369803.2, NM_001369804.2, NM_001369805.2); short protein forms H190fs, H212fs, H267fs.
Identifiers: ClinVar variation 1723967 (VCV001723967.3), dbSNP rs2545324318, ClinGen allele CA2580061447.